The following is an entry in ClinVar:

ClinVar aggregate classification (germline): Uncertain significance (1 of 4 stars; one submission).

Conditions:
Cognitive impairment - coarse facies - heart defects - obesity - pulmonary involvement - short stature - skeletal dysplasia syndrome. Also called: COGNITIVE IMPAIRMENT, COARSE FACIES, HEART DEFECTS, OBESITY, PULMONARY INVOLVEMENT, SHORT STATURE, AND SKELETAL DYSPLASIA; Chops syndrome; AFF4-Related CHOPS Syndrome. Identifiers: Orphanet 444077, MedGen C4085597, MONDO:0014609, OMIM 616368.

Submission:

Labcorp Genetics (formerly Invitae), Labcorp
Classification: Uncertain significance for Cognitive impairment - coarse facies - heart defects - obesity - pulmonary involvement - short stature - skeletal dysplasia syndrome. Last evaluated: 2025-04-17. Review status: criteria provided, single submitter. Criteria: Invitae Variant Classification Sherloc (09022015). Collection method: clinical testing. Allele origin: germline.
Comment: This sequence change falls in intron 9 of the AFF4 gene. It does not directly change the encoded amino acid sequence of the AFF4 protein. It affects a nucleotide within the consensus splice site. This variant is not present in population databases (gnomAD no frequency). This variant has not been reported in the literature in individuals affected with AFF4-related conditions. ClinVar contains an entry for this variant (Variation ID: 2027670). Variants that disrupt the consensus splice site are a relatively common cause of aberrant splicing (PMID: 17576681, 9536098). Algorithms developed to predict the effect of sequence changes on RNA splicing suggest that this variant may disrupt the consensus splice site. In summary, the available evidence is currently insufficient to determine the role of this variant in disease. Therefore, it has been classified as a Variant of Uncertain Significance.

Literature cited by the submitters: PubMed 17576681; PubMed 9536098.

NM_014423.4(AFF4):c.1226+3G>T

Gene: AFF4 (ALF transcription elongation factor 4; minus strand). Cytogenetic location: 5q31.1.
Variant type: single nucleotide variant.
Coding change: c.1226+3G>T on transcript NM_014423.4 (MANE Select); 3 bases into the intron after coding-DNA position 1226, G replaced by T.
Molecular consequence: intron variant.
Genome position (GRCh38, 1-based): chr5:132,899,101, C>A on the plus strand (G>T on the coding strand, the complement: AFF4 is on the minus strand). VCF-style: chr5-132899101-C-A. GRCh37 (hg19) VCF-style: chr5-132234793-C-A.
Identifiers: ClinVar variation 2027670 (VCV002027670.4), dbSNP rs2532484047, ClinGen allele CA2580072717.